The following is an entry in ClinVar:

ClinVar aggregate classification (germline): Uncertain significance (1 of 4 stars; one submission).

Conditions:
Pityriasis rubra pilaris (PRP). Also called: Pityriasis rubra pilaris--familial type. Identifiers: Orphanet 2897, MedGen C0032027, MONDO:0100017, OMIM 173200, MONDO:0008251.
Psoriasis 2. Identifiers: MedGen C1864497, MONDO:0011269, OMIM 602723.

Allele frequency attached by ClinVar (database versions not stated): gnomAD 0.00003 and 0.00005; gnomAD exomes 0.00004; TOPMed 0.00007; ESP Exome Variant Server 0.00008; ExAC 0.00009.
gnomAD v4.1: 62 of 1,577,940 alleles (0.0039%); highest among the groups gnomAD compares: Middle Eastern, 0.021%; no homozygotes.

Submission:

Labcorp Genetics (formerly Invitae), Labcorp
Classification: Uncertain significance for Pityriasis rubra pilaris; Psoriasis 2. Last evaluated: 2025-08-20. Review status: criteria provided, single submitter. Criteria: Invitae Variant Classification Sherloc (09022015). Collection method: clinical testing. Allele origin: germline.
Comment: This sequence change falls in intron 17 of the CARD14 gene. It does not directly change the encoded amino acid sequence of the CARD14 protein. It affects a nucleotide within the consensus splice site. This variant is present in population databases (rs376922603, gnomAD 0.008%). This variant has not been reported in the literature in individuals affected with CARD14-related conditions. ClinVar contains an entry for this variant (Variation ID: 1386887). Variants that disrupt the consensus splice site are a relatively common cause of aberrant splicing (PMID: 17576681, 9536098). Algorithms developed to predict the effect of sequence changes on RNA splicing suggest that this variant is not likely to affect RNA splicing. In summary, the available evidence is currently insufficient to determine the role of this variant in disease. Therefore, it has been classified as a Variant of Uncertain Significance.

Literature cited by the submitters: PubMed 17576681; PubMed 9536098.

NM_001366385.1(CARD14):c.2399-3C>T

Genes: CARD14 (caspase recruitment domain family member 14; plus strand), SGSH (N-sulfoglucosamine sulfohydrolase; minus strand), LOC126862662 (MED14-independent group 3 enhancer GRCh37_chr17:78178385-78179584; plus strand). Cytogenetic location: 17q25.3.
Variant type: single nucleotide variant.
Coding change: c.2399-3C>T on transcript NM_001366385.1 (MANE Select); 3 bases into the intron before coding-DNA position 2399, C replaced by T.
Molecular consequence: intron variant.
Genome position (GRCh38, 1-based): chr17:80,205,032, C>T. VCF-style: chr17-80205032-C-T. GRCh37 (hg19) VCF-style: chr17-78178831-C-T.
Other names: c.2399-3C>T (NM_024110.4).
Identifiers: ClinVar variation 1386887 (VCV001386887.6), dbSNP rs376922603, ClinGen allele CA8817316.